The following is an entry in ClinVar:

ClinVar aggregate classification (germline): Uncertain significance (1 of 4 stars; one submission).

Conditions:
Familial thoracic aortic aneurysm and aortic dissection (TAAD). Also called: Thoracic aortic aneurysms and dissections. Identifiers: Orphanet 91387, MedGen C4707243, MONDO:0019625.

gnomAD v4.1: 4 of 1,614,106 alleles (0.00025%); highest among the groups gnomAD compares: Non-Finnish European, 0.00025%; no homozygotes.

Submission:

Ambry Genetics
Classification: Uncertain significance for Familial thoracic aortic aneurysm and aortic dissection. Last evaluated: 2025-06-10. Review status: criteria provided, single submitter. Criteria: Ambry Variant Classification Scheme 2023. Collection method: clinical testing. Allele origin: germline.
Comment: The p.N1458K variant (also known as c.4374C>G), located in coding exon 34 of the FBN2 gene, results from a C to G substitution at nucleotide position 4374. The asparagine at codon 1458 is replaced by lysine, an amino acid with similar properties. This amino acid position is highly conserved in available vertebrate species. In addition, the in silico prediction for this alteration is inconclusive. Based on the available evidence, the clinical significance of this variant remains unclear.

NM_001999.4(FBN2):c.4374C>G (p.Asn1458Lys)

Gene: FBN2 (fibrillin 2; minus strand). Cytogenetic location: 5q23.3.
Variant type: single nucleotide variant.
Coding change: c.4374C>G on transcript NM_001999.4 (MANE Select); coding-DNA position 4374, C replaced by G.
Protein change: p.Asn1458Lys; replaces asparagine 1458 with lysine.
Molecular consequence: missense variant.
Genome position (GRCh38, 1-based): chr5:128,328,793, G>C on the plus strand (C>G on the coding strand, the complement: FBN2 is on the minus strand). VCF-style: chr5-128328793-G-C. GRCh37 (hg19) VCF-style: chr5-127664485-G-C.
Other names: short protein forms N1458K.
Identifiers: ClinVar variation 4023467 (VCV004023467.1).